The following is an entry in ClinVar:

ClinVar aggregate classification (germline): Likely benign (0 of 4 stars; one submission).

Conditions:
KATNAL2-related disorder. Also called: KATNAL2-related condition.

Allele frequency attached by ClinVar (database versions not stated): gnomAD exomes 0.00001; gnomAD 0.00002; TOPMed 0.00003; ExAC 0.00026.
gnomAD v4.1: 5 of 331,320 alleles (0.0015%); highest among the groups gnomAD compares: East Asian, 0.026%; no homozygotes.

Submission:

PreventionGenetics, part of Exact Sciences
Classification: Likely benign for KATNAL2-related condition. Last evaluated: 2019-04-11. Review status: no assertion criteria provided. Collection method: clinical testing. Allele origin: germline.
Comment: This variant is classified as likely benign based on ACMG/AMP sequence variant interpretation guidelines (Richards et al. 2015 PMID: 25741868, with internal and published modifications).

NM_001387690.1(KATNAL2):c.1212-1075A>G

Gene: KATNAL2 (katanin catalytic subunit A1 like 2; plus strand). Cytogenetic location: 18q21.1.
Variant type: single nucleotide variant.
Coding change: c.1212-1075A>G on transcript NM_001387690.1 (MANE Select); 1075 bases into the intron before coding-DNA position 1212, A replaced by G.
Molecular consequence: intron variant.
Genome position (GRCh38, 1-based): chr18:47,098,168, A>G. VCF-style: chr18-47098168-A-G. GRCh37 (hg19) VCF-style: chr18-44624539-A-G.
Other names: c.780-1075A>G (NM_001353904.1); c.1290-1075A>G (NM_001353899.1); c.1287-1075A>G (NM_001353900.1); c.879-1075A>G (NM_001353903.1); c.1212-5A>G (NM_001353901.1); c.964-5A>G (NM_001353907.1); c.*48-5A>G (NM_001353909.1); c.879-5A>G (NM_001353905.1, NM_001353906.1); and 4 more.
Identifiers: ClinVar variation 3047642 (VCV003047642.2), dbSNP rs200770687, ClinGen allele CA8955262.